The following is an entry in ClinVar:

ClinVar aggregate classification (germline): Likely benign (1 of 4 stars; one submission).

gnomAD v4.1: 323 of 1,508,138 alleles (0.021%); highest among the groups gnomAD compares: Admixed American, 0.053%; no homozygotes.

Submission:

CeGaT Center for Human Genetics Tuebingen
Classification: Likely benign. Last evaluated: 2024-09-01. Review status: criteria provided, single submitter. Criteria: CeGaT Center For Human Genetics Tuebingen Variant Classification Criteria Version 2. Collection method: clinical testing. Allele origin: germline. Affected: yes. Observed: 2 variant alleles.
Comment: TNNT2: BS1

NM_001276345.2(TNNT2):c.810+64C>T

Gene: TNNT2 (troponin T2, cardiac type; minus strand). Cytogenetic location: 1q32.1.
Variant type: single nucleotide variant.
Coding change: c.810+64C>T on transcript NM_001276345.2 (MANE Select); 64 bases into the intron after coding-DNA position 810, C replaced by T.
Molecular consequence: intron variant.
Genome position (GRCh38, 1-based): chr1:201,361,215, G>A on the plus strand (C>T on the coding strand, the complement: TNNT2 is on the minus strand). VCF-style: chr1-201361215-G-A. GRCh37 (hg19) VCF-style: chr1-201330343-G-A.
Other names: c.771+64C>T (NM_001406727.1, NM_001001431.3, NM_001406726.1); c.780+64C>T (NM_001406724.1, NM_001001430.3, NM_001276347.2); c.762+64C>T (NM_001001432.3); c.765+64C>T (NM_001406728.1); c.777+64C>T (NM_001406725.1); c.681+64C>T (NM_001276346.2); c.801+64C>T (NM_000364.4, NM_001406723.1).
Identifiers: ClinVar variation 2639782 (VCV002639782.24), dbSNP rs45496994, ClinGen allele CA35417828.